The following is an entry in ClinVar:

ClinVar aggregate classification (germline): Benign. Review status: criteria provided, multiple submitters, no conflicts (2 of 4 stars). 8 submissions from 8 submitters: Benign (6). 2 of the submissions do not count toward it. Last evaluated 2026-02-02.

Conditions:
SYNE2-related disorder. Also called: SYNE2-related condition.
Emery-Dreifuss muscular dystrophy 5, autosomal dominant (EDMD5). Also called: EMERY-DREIFUSS MUSCULAR DYSTROPHY 5. Identifiers: Orphanet 261, MedGen C2751805, MONDO:0013072, OMIM 612999.

Allele frequency attached by ClinVar (database versions not stated): gnomAD exomes 0.01656; ExAC 0.01692; ESP Exome Variant Server 0.02176; TOPMed 0.02196; gnomAD 0.02232 and 0.02290; 1000 Genomes Project 30x 0.02233; 1000 Genomes Project 0.02276.
gnomAD v4.1: 27,272 of 1,613,784 alleles (1.7%); highest among the groups gnomAD compares: African/African-American, 3.7%; 264 homozygotes.

Submissions (8):

Labcorp Genetics (formerly Invitae), Labcorp
Classification: Benign for Emery-Dreifuss muscular dystrophy 5, autosomal dominant. Last evaluated: 2026-02-02. Review status: criteria provided, single submitter. Criteria: Invitae Variant Classification Sherloc (09022015). Collection method: clinical testing. Allele origin: germline.

PreventionGenetics, part of Exact Sciences
Classification: Benign for SYNE2-related condition. Last evaluated: 2025-01-02. Review status: criteria provided, single submitter. Criteria: ACMG Guidelines, 2015. Collection method: clinical testing. Allele origin: germline.
Comment: This variant is classified as benign based on ACMG/AMP sequence variant interpretation guidelines (Richards et al. 2015 PMID: 25741868, with internal and published modifications).

Athena Diagnostics
Classification: Benign. Last evaluated: 2024-01-10. Review status: criteria provided, single submitter. Criteria: Athena Diagnostics Criteria. Collection method: clinical testing. Allele origin: unknown.

Illumina Laboratory Services, Illumina
Classification: Benign for Emery-Dreifuss muscular dystrophy 5, autosomal dominant. Last evaluated: 2018-01-12. Review status: criteria provided, single submitter. Criteria: ICSL Variant Classification Criteria 13 December 2019. Collection method: clinical testing. Allele origin: germline.
Comment: This variant was observed in the ICSL laboratory as part of a predisposition screen in an ostensibly healthy population. It had not been previously curated by ICSL or reported in the Human Gene Mutation Database (HGMD: prior to June 1st, 2018), and was therefore a candidate for classification through an automated scoring system. Utilizing variant allele frequency, disease prevalence and penetrance estimates, and inheritance mode, an automated score was calculated to assess if this variant is too frequent to cause the disease. Based on the score and internal cut-off values, a variant classified as benign is not then subjected to further curation. The score for this variant resulted in a classification of benign for this disease.

Genome Diagnostics Laboratory, University Medical Center Utrecht
Classification: Benign for Emery-Dreifuss muscular dystrophy 5, autosomal dominant. Last evaluated: 2014-10-09. Review status: criteria provided, single submitter. Criteria: ACGS Guidelines, 2013. Collection method: clinical testing. Allele origin: germline. Affected: yes. Study: VKGL Data-share Consensus.

Breakthrough Genomics
Classification: Benign. Review status: criteria provided, single submitter. Criteria: ACMG Guidelines, 2015. Collection method: not provided. Allele origin: germline. Inheritance: Autosomal dominant inheritance. Affected: yes.

Clinical Genetics, Academic Medical Center
Classification: Benign. Review status: no assertion criteria provided. Collection method: clinical testing. Allele origin: germline. Affected: yes. Study: VKGL Data-share Consensus. Not counted in ClinVar's aggregate classification.

Genetic Services Laboratory, University of Chicago
Classification: Likely benign for AllHighlyPenetrant. Review status: no assertion criteria provided. Collection method: clinical testing. Allele origin: germline. Inheritance: Autosomal dominant inheritance. Not counted in ClinVar's aggregate classification.
Comment: Likely benign based on allele frequency in 1000 Genomes Project or ESP global frequency and its presence in a patient with a rare or unrelated disease phenotype. NOT Sanger confirmed.

Literature cited by the submitters: PubMed 23155419 (cited by Athena Diagnostics).

NM_182914.3(SYNE2):c.13254C>A (p.Asn4418Lys)

Gene: SYNE2 (spectrin repeat containing nuclear envelope protein 2; plus strand). Cytogenetic location: 14q23.2.
Variant type: single nucleotide variant.
Coding change: c.13254C>A on transcript NM_182914.3 (MANE Select); coding-DNA position 13254, C replaced by A.
Protein change: p.Asn4418Lys; replaces asparagine 4418 with lysine.
Molecular consequence: missense variant.
Genome position (GRCh38, 1-based): chr14:64,122,107, C>A. VCF-style: chr14-64122107-C-A. GRCh37 (hg19) VCF-style: chr14-64588825-C-A.
Other names: c.13254C>A, p.Asn4418Lys (NM_015180.6); short protein forms N4418K.
Identifiers: ClinVar variation 130470 (VCV000130470.25), dbSNP rs36021513, ClinGen allele CA155529.